The following is an entry in ClinVar:

ClinVar aggregate classification (germline): Conflicting classifications of pathogenicity. Review status: criteria provided, conflicting classifications (1 of 4 stars). 10 submissions from 8 submitters: Uncertain significance (4); Likely benign (5). 1 of the submissions does not count toward it. Last evaluated 2026-09-01.

Conditions:
Usher syndrome type 1 (USH1). Also called: RETINITIS PIGMENTOSA AND CONGENITAL DEAFNESS. Identifiers: Orphanet 231169, Orphanet 886, MedGen C1568247, MONDO:0010168, OMIM 276900.
Autosomal recessive nonsyndromic hearing loss 2. Also called: DEAFNESS, AUTOSOMAL RECESSIVE 2; NEUROSENSORY NONSYNDROMIC RECESSIVE DEAFNESS 2. Identifiers: Orphanet 90636, MedGen C1838701, MONDO:0010807, OMIM 600060.
Usher syndrome type 1B (USH1B). Also called: Usher syndrome type IB. Identifiers: MedGen C1848638, MONDO:0700087.
Autosomal dominant nonsyndromic hearing loss 11. Identifiers: Orphanet 90635, MedGen C1832475, MONDO:0011032, OMIM 601317.

Allele frequency attached by ClinVar (database versions not stated): gnomAD 0.00034; ESP Exome Variant Server 0.00040; TOPMed 0.00040.
gnomAD v4.1: 741 of 1,613,826 alleles (0.046%); highest among the groups gnomAD compares: Non-Finnish European, 0.059%; 1 homozygote.

Submissions (13):

CeGaT Center for Human Genetics Tuebingen
Classification: Likely benign. Last evaluated: 2026-09-01. Review status: criteria provided, single submitter. Criteria: CeGaT Center For Human Genetics Tuebingen Variant Classification Criteria Version 2. Collection method: clinical testing. Allele origin: germline. Affected: yes. Observed: 3 variant alleles.
Comment: MYO7A: BP7

Labcorp Genetics (formerly Invitae), Labcorp
Classification: Likely benign. Last evaluated: 2026-02-02. Review status: criteria provided, single submitter. Criteria: Invitae Variant Classification Sherloc (09022015). Collection method: clinical testing. Allele origin: germline.

GeneDx
Classification: Uncertain significance. Last evaluated: 2025-06-27. Review status: criteria provided, single submitter. Criteria: GeneDx Variant Classification Process June 2021. Collection method: clinical testing. Allele origin: germline. Affected: yes.
Comment: Reported in a patient with hearing loss in published literature (PMID: 24498627); clinical information is limited; In silico analysis suggests this variant may impact gene splicing. In the absence of RNA/functional studies, the actual effect of this sequence change is unknown.; This variant is associated with the following publications: (PMID: 31997689, 30245029, 24498627)

Blueprint Genetics
Classification: Likely benign. Last evaluated: 2024-11-21. Review status: criteria provided, single submitter. Criteria: ACMG Guidelines, 2015. Collection method: clinical testing. Allele origin: germline.

Revvity Omics, Revvity
Classification: Uncertain significance. Last evaluated: 2024-09-27. Review status: criteria provided, single submitter. Criteria: ACMG Guidelines, 2015. Collection method: clinical testing. Allele origin: germline.

Laboratory for Molecular Medicine, Mass General Brigham Personalized Medicine
Classification: Likely benign. Last evaluated: 2017-12-15. Review status: criteria provided, single submitter. Criteria: LMM Criteria. Collection method: clinical testing. Allele origin: germline. Observed: 2 variant alleles.
Comment: p.Gly229Gly in exon 7 of MYO7A: This variant is not expected to have clinical si gnificance because it does not alter an amino acid residue and is not located ne ar a splice junction. This variant has been identified in 0.05% (64/126624) Euro pean chromosomes and 0.07% (25/34418) Latino chromosomes and by the Genome Aggr egation Database; however, data did not pass quality standards (gnomAD; rs371142158).

Illumina Laboratory Services, Illumina
Classification: Uncertain significance for Autosomal recessive nonsyndromic hearing loss 2. Last evaluated: 2017-04-27. Review status: criteria provided, single submitter. Criteria: ICSL Variant Classification Criteria 13 December 2019. Collection method: clinical testing. Allele origin: germline.
Comment: This variant was observed as part of a predisposition screen in an ostensibly healthy population. A literature search was performed for the gene, cDNA change, and amino acid change (where applicable). Publications were found based on this search. However, the evidence from the literature, in combination with allele frequency data from public databases where available, was not sufficient to rule this variant in or out of causing disease. Therefore, this variant is classified as a variant of unknown significance.

Illumina Laboratory Services, Illumina
Classification: Likely benign for Autosomal dominant nonsyndromic hearing loss 11. Last evaluated: 2017-04-27. Review status: criteria provided, single submitter. Criteria: ICSL Variant Classification Criteria 13 December 2019. Collection method: clinical testing. Allele origin: germline.
Comment: This variant was observed as part of a predisposition screen in an ostensibly healthy population. A literature search was performed for the gene, cDNA change, and amino acid change (where applicable). Publications were found based on this search. The evidence from the literature, in combination with allele frequency data from public databases where available, was sufficient to determine this variant is unlikely to cause disease. Therefore, this variant is classified as likely benign.

Illumina Laboratory Services, Illumina
Classification: Uncertain significance for Usher syndrome type 1. Last evaluated: 2017-04-27. Review status: criteria provided, single submitter. Criteria: ICSL Variant Classification Criteria 13 December 2019. Collection method: clinical testing. Allele origin: germline.
Comment: the same text as in the submission from Illumina Laboratory Services, Illumina above.

Natera, Inc.
Classification: Likely benign for Usher syndrome type 1B. Last evaluated: 2020-02-20. Review status: no assertion criteria provided. Collection method: clinical testing. Allele origin: germline. Not counted in ClinVar's aggregate classification.

Dr. Peter K. Rogan Lab, Western University
No classification provided (evidence only). Condition: Clear cell carcinoma of kidney. Review status: no classification provided. Collection method: in vitro. Allele origin: not applicable. Functional consequence: retained intron. Not counted in ClinVar's aggregate classification.

Dr. Peter K. Rogan Lab, Western University
No classification provided (evidence only). Condition: Lung cancer. Review status: no classification provided. Collection method: in vitro. Allele origin: not applicable. Functional consequence: retained intron. Not counted in ClinVar's aggregate classification.

Dr. Peter K. Rogan Lab, Western University
No classification provided (evidence only). Condition: Ovarian serous cystadenocarcinoma. Review status: no classification provided. Collection method: in vitro. Allele origin: not applicable. Functional consequence: retained intron. Not counted in ClinVar's aggregate classification.

Literature cited by the submitters: PubMed 24498627 (cited by Illumina Laboratory Services, Illumina).

NM_000260.4(MYO7A):c.687C>T (p.Gly229=)

Gene: MYO7A (myosin VIIA; plus strand). Cytogenetic location: 11q13.5.
Variant type: single nucleotide variant.
Coding change: c.687C>T on transcript NM_000260.4 (MANE Select); coding-DNA position 687, C replaced by T.
Protein change: p.Gly229=; no amino-acid change (glycine 229 retained).
Molecular consequence: synonymous variant.
Genome position (GRCh38, 1-based): chr11:77,156,956, C>T. VCF-style: chr11-77156956-C-T. GRCh37 (hg19) VCF-style: chr11-76868002-C-T.
Other names: c.687C>T, p.Gly229= (NM_001127180.2); c.654C>T, p.Gly218= (NM_001369365.1).
Identifiers: ClinVar variation 43339 (VCV000043339.52), dbSNP rs371142158, ClinGen allele CA132447.